The following is an entry in ClinVar:

ClinVar aggregate classification (germline): Conflicting classifications of pathogenicity. Review status: criteria provided, conflicting classifications (1 of 4 stars). 2 submissions from 2 submitters: Uncertain significance (1); Likely benign (1). Last evaluated 2024-01-23.

Conditions:
Congenital myasthenic syndrome 8. Also called: Myasthenic syndrome, congenital, 8, with pre- and postsynaptic defects; MYASTHENIC SYNDROME, CONGENITAL, DUE TO AGRIN DEFICIENCY. Identifiers: Orphanet 590, MedGen C3808739, MONDO:0014052, OMIM 615120.
Inborn genetic diseases. Identifiers: MedGen C0950123, MeSH D030342.

Allele frequency attached by ClinVar (database versions not stated): ExAC 0.00001; gnomAD 0.00002 and 0.00003; gnomAD exomes 0.00002; TOPMed 0.00002.
gnomAD v4.1: 50 of 1,612,514 alleles (0.0031%); highest among the groups gnomAD compares: East Asian, 0.0067%; no homozygotes.

Submissions (2):

Ambry Genetics
Classification: Likely benign for Inborn genetic diseases. Last evaluated: 2024-01-23. Review status: criteria provided, single submitter. Criteria: Ambry Variant Classification Scheme 2023. Collection method: clinical testing. Allele origin: germline.

Labcorp Genetics (formerly Invitae), Labcorp
Classification: Uncertain significance for Congenital myasthenic syndrome 8. Last evaluated: 2021-08-20. Review status: criteria provided, single submitter. Criteria: Invitae Variant Classification Sherloc (09022015). Collection method: clinical testing. Allele origin: germline.
Comment: This sequence change replaces arginine with histidine at codon 1699 of the AGRN protein (p.Arg1699His). The arginine residue is weakly conserved and there is a small physicochemical difference between arginine and histidine. This variant is present in population databases (rs777269140, ExAC 0.002%). This variant has not been reported in the literature in individuals affected with AGRN-related conditions. Algorithms developed to predict the effect of missense changes on protein structure and function output the following: SIFT: "Tolerated"; PolyPhen-2: "Benign"; Align-GVGD: "Class C0". The histidine amino acid residue is found in multiple mammalian species, which suggests that this missense change does not adversely affect protein function. In summary, the available evidence is currently insufficient to determine the role of this variant in disease. Therefore, it has been classified as a Variant of Uncertain Significance.

NM_198576.4(AGRN):c.5096G>A (p.Arg1699His)

Gene: AGRN (agrin; plus strand). Cytogenetic location: 1p36.33.
Variant type: single nucleotide variant.
Coding change: c.5096G>A on transcript NM_198576.4 (MANE Select); coding-DNA position 5096, G replaced by A.
Protein change: p.Arg1699His; replaces arginine 1699 with histidine.
Molecular consequence: missense variant.
Genome position (GRCh38, 1-based): chr1:1,050,546, G>A. VCF-style: chr1-1050546-G-A. GRCh37 (hg19) VCF-style: chr1-985926-G-A.
Other names: c.5096G>A, p.Arg1699His (NM_001305275.2); c.4781G>A, p.Arg1594His (NM_001364727.2); c.5096G>A (NM_198576.3); short protein forms R1594H, R1699H.
Identifiers: ClinVar variation 1061432 (VCV001061432.7), dbSNP rs777269140, ClinGen allele CA509850.
Genomic context (GRCh38, chr1:1,050,546, plus strand): 5'-ACAACGGGCAGAAGACGGACGGCAAGGGGGACTTCGTGTCGCTGGCACTGCGGGACCGCC[G>A]CCTGGAGTTCCGCTACGACCTGGGCAAGGGGGCAGCGGTCATCAGGTGGGCCGGCAAGGG-3'
Protein context (NP_940978.2, residues 1689-1709): DFVSLALRDR[Arg1699His]LEFRYDLGKG